The following is an entry in ClinVar:

NM_006734.4(HIVEP2):c.5202G>A (p.Ala1734=)

Gene: HIVEP2 (HIVEP zinc finger 2; minus strand). Cytogenetic location: 6q24.2.
Variant type: single nucleotide variant.
Coding change: c.5202G>A on transcript NM_006734.4 (MANE Select); coding-DNA position 5202, G replaced by A.
Protein change: p.Ala1734=; no amino-acid change (alanine 1734 retained).
Molecular consequence: synonymous variant.
Genome position (GRCh38, 1-based): chr6:142,768,522, C>T on the plus strand (G>A on the coding strand, the complement: HIVEP2 is on the minus strand). VCF-style: chr6-142768522-C-T. GRCh37 (hg19) VCF-style: chr6-143089659-C-T.
Other names: c.5202G>A (NM_006734.3).
Identifiers: ClinVar variation 1642570 (VCV001642570.34), dbSNP rs200547940, ClinGen allele CA4027928.

ClinVar aggregate classification (germline): Likely benign. Review status: criteria provided, multiple submitters, no conflicts (2 of 4 stars). 4 submissions from 4 submitters: Likely benign (3). 1 of the submissions does not count toward it. Last evaluated 2026-08-01.

Conditions:
HIVEP2-related disorder. Also called: HIVEP2-related condition.

Allele frequency attached by ClinVar (database versions not stated): gnomAD 0.00044 and 0.00040; TOPMed 0.00048; ESP Exome Variant Server 0.00076; gnomAD exomes 0.00042; ExAC 0.00043.
gnomAD v4.1: 776 of 1,613,086 alleles (0.048%); highest among the groups gnomAD compares: Non-Finnish European, 0.058%; no homozygotes.

Submissions (4):

CeGaT Center for Human Genetics Tuebingen
Classification: Likely benign. Last evaluated: 2026-08-01. Review status: criteria provided, single submitter. Criteria: CeGaT Center For Human Genetics Tuebingen Variant Classification Criteria Version 2. Collection method: clinical testing. Allele origin: germline. Affected: yes. Observed: 5 variant alleles.
Comment: HIVEP2: BP4, BP7

Labcorp Genetics (formerly Invitae), Labcorp
Classification: Likely benign. Last evaluated: 2026-01-09. Review status: criteria provided, single submitter. Criteria: Invitae Variant Classification Sherloc (09022015). Collection method: clinical testing. Allele origin: germline.

Blueprint Genetics
Classification: Likely benign. Last evaluated: 2024-10-18. Review status: criteria provided, single submitter. Criteria: ACMG Guidelines, 2015. Collection method: clinical testing. Allele origin: germline.

PreventionGenetics, part of Exact Sciences
Classification: Likely benign for HIVEP2-related condition. Last evaluated: 2019-04-26. Review status: no assertion criteria provided. Collection method: clinical testing. Allele origin: germline. Not counted in ClinVar's aggregate classification.
Comment: This variant is classified as likely benign based on ACMG/AMP sequence variant interpretation guidelines (Richards et al. 2015 PMID: 25741868, with internal and published modifications).